The following is an entry in ClinVar:

ClinVar aggregate classification (germline): Uncertain significance. Review status: criteria provided, multiple submitters, no conflicts (2 of 4 stars). 2 submissions from 2 submitters: Uncertain significance (2). Last evaluated 2024-10-24.

Conditions:
Inborn genetic diseases. Identifiers: MedGen C0950123, MeSH D030342.

Allele frequency attached by ClinVar (database versions not stated): gnomAD 0.00001; gnomAD exomes 0.00002; TOPMed 0.00002; ExAC 0.00005; ESP Exome Variant Server 0.00015; 1000 Genomes Project 30x 0.00016; 1000 Genomes Project 0.00020.
gnomAD v4.1: 39 of 1,614,156 alleles (0.0024%); highest among the groups gnomAD compares: Middle Eastern, 0.017%; no homozygotes.

Submissions (2):

Labcorp Genetics (formerly Invitae), Labcorp
Classification: Uncertain significance. Last evaluated: 2024-10-24. Review status: criteria provided, single submitter. Criteria: Invitae Variant Classification Sherloc (09022015). Collection method: clinical testing. Allele origin: germline.
Comment: This sequence change replaces asparagine, which is neutral and polar, with serine, which is neutral and polar, at codon 2803 of the VPS13D protein (p.Asn2803Ser). This variant is present in population databases (rs144511893, gnomAD 0.02%). This missense change has been observed in individual(s) with VPS13D-related conditions (PMID: 33057194). ClinVar contains an entry for this variant (Variation ID: 2141986). Invitae Evidence Modeling of protein sequence and biophysical properties (such as structural, functional, and spatial information, amino acid conservation, physicochemical variation, residue mobility, and thermodynamic stability) indicates that this missense variant is expected to disrupt VPS13D protein function with a positive predictive value of 80%. In summary, the available evidence is currently insufficient to determine the role of this variant in disease. Therefore, it has been classified as a Variant of Uncertain Significance.

Ambry Genetics
Classification: Uncertain significance for Inborn genetic diseases. Last evaluated: 2022-08-16. Review status: criteria provided, single submitter. Criteria: Ambry Variant Classification Scheme 2023. Collection method: clinical testing. Allele origin: germline.

Literature cited by the submitters: PubMed 33057194 (cited by Labcorp Genetics (formerly Invitae), Labcorp).

NM_015378.4(VPS13D):c.8408A>G (p.Asn2803Ser)

Gene: VPS13D (vacuolar protein sorting 13 homolog D; plus strand). Cytogenetic location: 1p36.22.
Variant type: single nucleotide variant.
Coding change: c.8408A>G on transcript NM_015378.4 (MANE Select); coding-DNA position 8408, A replaced by G.
Protein change: p.Asn2803Ser; replaces asparagine 2803 with serine.
Molecular consequence: missense variant.
Genome position (GRCh38, 1-based): chr1:12,333,346, A>G. VCF-style: chr1-12333346-A-G. GRCh37 (hg19) VCF-style: chr1-12393403-A-G.
Other names: c.8408A>G (NM_015378.2); c.8408A>G, p.Asn2803Ser (NM_018156.4); short protein forms N2803S.
Identifiers: ClinVar variation 2141986 (VCV002141986.5), dbSNP rs144511893, ClinGen allele CA603104.